The following is an entry in ClinVar:

ClinVar aggregate classification (germline): Likely benign (1 of 4 stars; one submission).

Submission:

CeGaT Center for Human Genetics Tuebingen
Classification: Likely benign. Last evaluated: 2024-02-01. Review status: criteria provided, single submitter. Criteria: CeGaT Center For Human Genetics Tuebingen Variant Classification Criteria Version 2. Collection method: clinical testing. Allele origin: germline. Affected: yes. Observed: 3 variant alleles.
Comment: MRPS30: BS2

NM_016640.4(MRPS30):c.372GCCCGA[4] (p.Pro135_Ala136insGluPro)

Gene: MRPS30 (mitochondrial ribosomal protein S30; plus strand). Cytogenetic location: 5p12.
Variant type: Microsatellite.
Coding change: c.372GCCCGA[4] on transcript NM_016640.4 (MANE Select); four copies in a row of the 6-base unit GCCCGA starting at c.372; the reference has three copies in a row; one copy, 6 bases duplicated.
Protein change: p.Pro135_Ala136insGluPro.
Molecular consequence: inframe insertion.
Genome position (GRCh38, 1-based): chr5:44,809,346-44,809,351, GCCCGA duplicated; duplicating any 6 consecutive bases within chr5:44,809,332-44,809,351 gives the same sequence; the position shown is the placement nearest the transcript's 3' end. VCF-style (leftmost placement, unchanged base first): chr5-44809331-G-GGAGCCC. GRCh37 (hg19) VCF-style: chr5-44809433-G-GGAGCCC.
Identifiers: ClinVar variation 2655453 (VCV002655453.24), dbSNP rs760461308, ClinGen allele CA3258744.